The following is an entry in ClinVar:

ClinVar aggregate classification (germline): Pathogenic (1 of 4 stars; one submission).

Submission:

Labcorp Genetics (formerly Invitae), Labcorp
Classification: Pathogenic. Last evaluated: 2023-10-30. Review status: criteria provided, single submitter. Criteria: Invitae Variant Classification Sherloc (09022015). Collection method: clinical testing. Allele origin: unknown.
Comment: This variant is a gross deletion of the genomic region encompassing exon(s) 3 of the TJP2 gene. This deletion is out-of-frame, and is expected to create a premature termination codon and result in an absent or disrupted protein product. Loss-of-function variants in TJP2 are known to be pathogenic (PMID: 24614073, 25921221, 28039895). This variant has not been reported in the literature in individuals affected with TJP2-related conditions. For these reasons, this variant has been classified as Pathogenic.

Literature cited by the submitters: PubMed 24614073; PubMed 25921221; PubMed 28039895.

NC_000009.11:g.(?_71831235)_(71831399_?)del

Gene: TJP2 (tight junction protein 2; plus strand). Cytogenetic location: 9q21.11.
Variant type: Deletion.
Identifiers: ClinVar variation 3245329 (VCV003245329.1).